The following is an entry in ClinVar:

ClinVar aggregate classification (germline): Uncertain significance (1 of 4 stars; one submission).

Allele frequency attached by ClinVar (database versions not stated): TOPMed below 0.00001.

Submission:

Labcorp Genetics (formerly Invitae), Labcorp
Classification: Uncertain significance. Last evaluated: 2023-07-07. Review status: criteria provided, single submitter. Criteria: Invitae Variant Classification Sherloc (09022015). Collection method: clinical testing. Allele origin: germline.
Comment: ClinVar contains an entry for this variant (Variation ID: 2106341). Algorithms developed to predict the effect of missense changes on protein structure and function output the following: SIFT: "Not Available"; PolyPhen-2: "Benign"; Align-GVGD: "Not Available". The leucine amino acid residue is found in multiple mammalian species, which suggests that this missense change does not adversely affect protein function. In summary, the available evidence is currently insufficient to determine the role of this variant in disease. Therefore, it has been classified as a Variant of Uncertain Significance. This sequence change replaces valine, which is neutral and non-polar, with leucine, which is neutral and non-polar, at codon 313 of the CEP250 protein (p.Val313Leu). This variant is not present in population databases (gnomAD no frequency). This variant has not been reported in the literature in individuals affected with CEP250-related conditions.

NM_007186.6(CEP250):c.937G>C (p.Val313Leu)

Gene: CEP250 (centrosomal protein 250; plus strand). Cytogenetic location: 20q11.22.
Variant type: single nucleotide variant.
Coding change: c.937G>C on transcript NM_007186.6 (MANE Select); coding-DNA position 937, G replaced by C.
Protein change: p.Val313Leu; replaces valine 313 with leucine.
Molecular consequence: missense variant. On other transcripts: 5 prime UTR variant (1).
Genome position (GRCh38, 1-based): chr20:35,469,975, G>C. VCF-style: chr20-35469975-G-C. GRCh37 (hg19) VCF-style: chr20-34057800-G-C.
Other names: c.-963G>C (NM_001318219.1); short protein forms V313L.
Identifiers: ClinVar variation 2106341 (VCV002106341.4), dbSNP rs2062984586, ClinGen allele CA408758311.